The following is an entry in ClinVar:

ClinVar aggregate classification (germline): Uncertain significance (1 of 4 stars; one submission).

Conditions:
Early-infantile DEE. Also called: Ohtahara syndrome; Early infantile epileptic encephalopathy with suppression bursts; Early infantile epileptic encephalopathy. Identifiers: Orphanet 1934, MedGen C0393706, MONDO:0800491.

Allele frequency attached by ClinVar (database versions not stated): gnomAD exomes below 0.00001 and 0.00001; ExAC 0.00001; gnomAD 0.00001.
gnomAD v4.1: 7 of 1,613,818 alleles (0.00043%); highest among the groups gnomAD compares: Admixed American, 0.0033%; no homozygotes.

Submission:

Labcorp Genetics (formerly Invitae), Labcorp
Classification: Uncertain significance for Early-infantile DEE. Last evaluated: 2024-12-28. Review status: criteria provided, single submitter. Criteria: Invitae Variant Classification Sherloc (09022015). Collection method: clinical testing. Allele origin: germline.
Comment: This sequence change replaces glutamic acid, which is acidic and polar, with glycine, which is neutral and non-polar, at codon 1896 of the SCN8A protein (p.Glu1896Gly). This variant is not present in population databases (gnomAD no frequency). This variant has not been reported in the literature in individuals affected with SCN8A-related conditions. ClinVar contains an entry for this variant (Variation ID: 1060282). Invitae Evidence Modeling of protein sequence and biophysical properties (such as structural, functional, and spatial information, amino acid conservation, physicochemical variation, residue mobility, and thermodynamic stability) has been performed for this missense variant. However, the output from this modeling did not meet the statistical confidence thresholds required to predict the impact of this variant on SCN8A protein function. In summary, the available evidence is currently insufficient to determine the role of this variant in disease. Therefore, it has been classified as a Variant of Uncertain Significance.

NM_001330260.2(SCN8A):c.5687A>G (p.Glu1896Gly)

Gene: SCN8A (sodium voltage-gated channel alpha subunit 8; plus strand). Cytogenetic location: 12q13.13.
Variant type: single nucleotide variant.
Coding change: c.5687A>G on transcript NM_001330260.2 (MANE Select); coding-DNA position 5687, A replaced by G.
Protein change: p.Glu1896Gly; replaces glutamic acid 1896 with glycine.
Molecular consequence: missense variant.
Genome position (GRCh38, 1-based): chr12:51,807,173, A>G. VCF-style: chr12-51807173-A-G. GRCh37 (hg19) VCF-style: chr12-52200957-A-G.
Other names: c.5564A>G, p.Glu1855Gly (NM_001177984.3, NM_001369788.1); c.5687A>G, p.Glu1896Gly (NM_014191.4); short protein forms E1855G, E1896G.
Identifiers: ClinVar variation 1060282 (VCV001060282.10), dbSNP rs761793809, ClinGen allele CA6571940.